The following is an entry in ClinVar:

ClinVar aggregate classification (germline): Conflicting classifications of pathogenicity. Review status: criteria provided, conflicting classifications (1 of 4 stars). 4 submissions from 4 submitters: Uncertain significance (3); Likely benign (1). Last evaluated 2026-09-29.

Conditions:
Inborn genetic diseases. Identifiers: MedGen C0950123, MeSH D030342.

Allele frequency attached by ClinVar (database versions not stated): gnomAD 0.00016 and 0.00017; TOPMed 0.00028; gnomAD exomes 0.00005 and 0.00001; 1000 Genomes Project 30x 0.00047; 1000 Genomes Project 0.00040; ExAC 0.00009; ESP Exome Variant Server 0.00015.
gnomAD v4.1: 49 of 1,613,974 alleles (0.003%); highest among the groups gnomAD compares: African/African-American, 0.049%; no homozygotes.

Submissions (4):

GeneDx
Classification: Uncertain significance. Last evaluated: 2026-09-29. Review status: criteria provided, single submitter. Criteria: GeneDx Variant Classification Process June 2021. Collection method: clinical testing. Allele origin: germline.
Comment: In silico analysis suggests that this variant does not alter splicing; Has not been previously published as pathogenic or benign to our knowledge

Labcorp Genetics (formerly Invitae), Labcorp
Classification: Uncertain significance. Last evaluated: 2025-03-16. Review status: criteria provided, single submitter. Criteria: Invitae Variant Classification Sherloc (09022015). Collection method: clinical testing. Allele origin: germline.
Comment: This sequence change affects codon 452 of the HSPG2 mRNA. It is a 'silent' change, meaning that it does not change the encoded amino acid sequence of the HSPG2 protein. It affects a nucleotide within the consensus splice site. This variant is present in population databases (rs150771453, gnomAD 0.05%). This variant has not been reported in the literature in individuals affected with HSPG2-related conditions. ClinVar contains an entry for this variant (Variation ID: 1202210). Algorithms developed to predict the effect of sequence changes on RNA splicing suggest that this variant is not likely to affect RNA splicing. In summary, the available evidence is currently insufficient to determine the role of this variant in disease. Therefore, it has been classified as a Variant of Uncertain Significance.

Athena Diagnostics
Classification: Uncertain significance. Last evaluated: 2024-07-24. Review status: criteria provided, single submitter. Criteria: Athena Diagnostics Criteria. Collection method: clinical testing. Allele origin: unknown.
Comment: Available data are insufficient to determine the clinical significance of the variant at this time. The frequency of this variant in the general population is uninformative in assessment of its pathogenicity. Computational tools yielded predictions that this variant may interfere with normal RNA splicing.

Ambry Genetics
Classification: Likely benign for Inborn genetic diseases. Last evaluated: 2021-07-13. Review status: criteria provided, single submitter. Criteria: Ambry Variant Classification Scheme 2023. Collection method: clinical testing. Allele origin: germline.

NM_005529.7(HSPG2):c.1356G>A (p.Arg452=)

Gene: HSPG2 (heparan sulfate proteoglycan 2; minus strand). Cytogenetic location: 1p36.12.
Variant type: single nucleotide variant.
Coding change: c.1356G>A on transcript NM_005529.7 (MANE Select); coding-DNA position 1356, G replaced by A.
Protein change: p.Arg452=; no amino-acid change (arginine 452 retained).
Molecular consequence: synonymous variant.
Genome position (GRCh38, 1-based): chr1:21,884,918, C>T on the plus strand (G>A on the coding strand, the complement: HSPG2 is on the minus strand). VCF-style: chr1-21884918-C-T. GRCh37 (hg19) VCF-style: chr1-22211411-C-T.
Other names: c.1356G>A, p.Arg452= (NM_001291860.2); c.1356G>A (NM_005529.6).
Identifiers: ClinVar variation 1202210 (VCV001202210.14), dbSNP rs150771453, ClinGen allele CA673471.